The following is an entry in ClinVar:

ClinVar aggregate classification (germline): Pathogenic/Likely pathogenic. Review status: criteria provided, multiple submitters, no conflicts (2 of 4 stars). 14 submissions from 14 submitters: Pathogenic (12); Likely pathogenic (1). 1 of the submissions does not count toward it. Last evaluated 2025-12-19.

Conditions:
Hereditary spastic paraplegia. Also called: Familial spastic paraparesis. Identifiers: Orphanet 685, MedGen C0037773, MONDO:0019064. Disease mechanism: loss of function.
Hereditary spastic paraplegia 4. Also called: Spastic paraplegia 4, autosomal dominant; Spastic Paraplegia 4; Familial spastic paraplegia autosomal dominant 2. Identifiers: Orphanet 100985, MedGen C1866855, MONDO:0008438, OMIM 182601.
Spastic paraparesis. Identifiers: MedGen C0037771, HP:0002313.

Submissions 1 to 11 of 14:

Labcorp Genetics (formerly Invitae), Labcorp
Classification: Pathogenic for Hereditary spastic paraplegia 4. Last evaluated: 2025-12-19. Review status: criteria provided, single submitter. Criteria: Invitae Variant Classification Sherloc (09022015). Collection method: clinical testing. Allele origin: germline.
Comment: This sequence change replaces arginine, which is basic and polar, with cysteine, which is neutral and slightly polar, at codon 499 of the SPAST protein (p.Arg499Cys). This variant is not present in population databases (gnomAD no frequency). This missense change has been observed in individuals with hereditary spastic paraplegia (HSP) (PMID: 10610178, 11309678, 12161613, 16055926, 17594340, 17957230, 19438933, 20718791, 25658484, 26208798, 27334366). It has also been observed to segregate with disease in related individuals. Invitae Evidence Modeling of clinical and family history, age, sex, and reported ancestry of multiple individuals with this SPAST variant has been performed. This variant is expected to be pathogenic with a positive predictive value of at least 99%. This is a validated machine learning model that incorporates the clinical features of 4,195 individuals referred to our laboratory for SPAST testing. This variant is also known as 1620C>T. ClinVar contains an entry for this variant (Variation ID: 5660). An algorithm developed to predict the effect of missense changes on protein structure and function (PolyPhen-2) suggests that this variant is likely to be disruptive. Experimental studies have shown that this missense change affects SPAST function (PMID: 15716377). This variant disrupts the p.Arg499 amino acid residue in SPAST. Other variant(s) that disrupt this residue have been determined to be pathogenic (PMID: 16009769, 16682546, 18701882, 20562464). This suggests that this residue is clinically significant, and that variants that disrupt this residue are likely to be disease-causing. For these reasons, this variant has been classified as Pathogenic.

3billion
Classification: Pathogenic for Hereditary spastic paraplegia 4. Last evaluated: 2024-08-21. Review status: criteria provided, single submitter. Criteria: ACMG Guidelines, 2015. Collection method: clinical testing. Allele origin: germline. Affected: yes.
Comment: The variant is not observed in the gnomAD v4.0.0 dataset. Predicted Consequence/Location: Missense variant Functional studies provide strong evidence of the variant having a damaging effect on the gene or gene product (PMID: 15716377).In silico tool predictions suggest damaging effect of the variant on gene or gene product [REVEL: 0.94 (>=0.6, sensitivity 0.68 and specificity 0.92); 3Cnet: 0.99 (>=0.6, sensitivity 0.72 and precision 0.9)]. The same nucleotide change resulting in the same amino acid change has been previously reported as pathogenic/likely pathogenic with strong evidence (ClinVar ID: VCV000005660 /PMID: 10610178).Different missense changes at the same codon (p.Arg499His, p.Arg499Leu) have been reported as pathogenic/likely pathogenic with strong evidence (ClinVar ID: VCV000240950, VCV000801664 /PMID: 16009769, 29980238 /3billion dataset). Therefore, this variant is classified as Pathogenic according to the recommendation of ACMG/AMP guideline.

Kariminejad - Najmabadi Pathology & Genetics Center
Classification: Pathogenic for Hereditary spastic paraplegia 4. Last evaluated: 2024-05-14. Review status: criteria provided, single submitter. Criteria: ACMG Guidelines, 2015. Collection method: clinical testing. Allele origin: germline. Inheritance: Autosomal dominant inheritance. Affected: yes.
Comment: (PS3_Supporting,PM1_Supporting,PM2_Moderate,PP5_Moderate,PM5_Moderate,PP3_Moderate,PP1_Supporting,PP2_Supporting)

Genomic Medicine Center of Excellence, King Faisal Specialist Hospital and Research Centre
Classification: Pathogenic for Hereditary spastic paraplegia 4. Last evaluated: 2024-04-04. Review status: criteria provided, single submitter. Criteria: ACMG Guidelines, 2015. Collection method: clinical testing. Allele origin: germline.

Athena Diagnostics
Classification: Pathogenic. Last evaluated: 2023-12-13. Review status: criteria provided, single submitter. Criteria: Athena Diagnostics Criteria. Collection method: clinical testing. Allele origin: unknown.
Comment: This variant has been identified in multiple unrelated individuals with clinical features associated with this gene. This variant was not reported in large, multi-ethnic, general populations. At least one other missense variant at this codon is considered to be pathogenic or likely pathogenic, suggesting this variant may also cause disease. Assessment of experimental evidence suggests this variant results in abnormal protein function. (PMID: 15716377)

Victorian Clinical Genetics Services, Murdoch Childrens Research Institute
Classification: Pathogenic for Hereditary spastic paraplegia 4. Last evaluated: 2023-07-17. Review status: criteria provided, single submitter. Criteria: ACMG Guidelines, 2015. Collection method: clinical testing. Allele origin: germline. Inheritance: Autosomal dominant inheritance. Affected: yes.
Comment: Based on the classification scheme VCGS_Germline_v1.3.4, this variant is classified as Pathogenic. Following criteria are met: 0103 - Dominant negative and loss of function are known mechanisms of disease for this gene and are associated with spastic paraplegia 4 (MIM#182601). Multiple loss of function variants have been reported, while a dominant negative mechanism has been stipulated for a small number of missense variants (ClinVar; PMID: 30006150). (I) 0107 - This gene is associated with autosomal dominant disease. (I) 0112 - The condition associated with this gene has incomplete penetrance, but this is age-dependent and only a small proportion of individuals remain asymptomatic (PMID: 30476002). (I) 0115 - Variants in this gene are known to have variable expressivity, with variable age of onset and disease severity (PMID: 30476002). (I) 0200 - Variant is predicted to result in a missense amino acid change from arginine to cysteine. (I) 0251 - This variant is heterozygous. (I) 0301 - Variant is absent from gnomAD (both v2 and v3). (SP) 0501 - Missense variant consistently predicted to be damaging by multiple in silico tools or highly conserved with a major amino acid change. (SP) 0603 - Missense variant in a region that is highly intolerant to missense variation (high constraint region in DECIPHER). (SP) 0801 - This variant has strong previous evidence of pathogenicity in unrelated individuals. This variant has been reported multiple times as pathogenic, and observed in individuals with hereditary spastic paraplegia, with an elevated risk of cognitive impairment (ClinVar, PMID: 29421991). (SP) 1208 - Inheritance information for this variant is not currently available in this individual. (I) Legend: (SP) - Supporting pathogenic, (I) - Information, (SB) - Supporting benign

Genetics and Molecular Pathology, SA Pathology
Classification: Pathogenic for Hereditary spastic paraplegia 4. Last evaluated: 2022-03-21. Review status: criteria provided, single submitter. Criteria: ACMG Guidelines, 2015. Collection method: clinical testing. Allele origin: germline. Affected: yes.
Comment: The SPAST c.1495C>T variant is classified as Pathogenic (PS4_Moderate, PS3, PM2, PM5)

GeneDx
Classification: Pathogenic. Last evaluated: 2022-01-13. Review status: criteria provided, single submitter. Criteria: GeneDx Variant Classification Process June 2021. Collection method: clinical testing. Allele origin: germline. Affected: yes.
Comment: Published functional studies demonstrate a damaging effect on microtubule disassembly and ATPase activity (Errico et al., 2002; Evans et al., 2005); In silico analysis supports that this missense variant has a deleterious effect on protein structure/function; This variant is associated with the following publications: (PMID: 29980238, 31751864, 15716377, 29934652, 30780198, 30476002, 31285604, 28191889, 34950521, Varghaei2021[pdf], 21139634, 26094131, 17957230, 18701882, 11809724, 11309678, 10610178)

Genome Diagnostics Laboratory, The Hospital for Sick Children
Classification: Likely pathogenic for Hereditary spastic paraplegia. Last evaluated: 2016-12-12. Review status: criteria provided, single submitter. Criteria: ACMG Guidelines, 2015. Collection method: clinical testing. Allele origin: germline. Affected: yes.

CeGaT Center for Human Genetics Tuebingen
Classification: Pathogenic. Last evaluated: 2016-09-01. Review status: criteria provided, single submitter. Criteria: CeGaT Center For Human Genetics Tuebingen Variant Classification Criteria Version 2. Collection method: clinical testing. Allele origin: germline. Affected: yes. Observed: 1 variant allele.

Centre for Mendelian Genomics, University Medical Centre Ljubljana
Classification: Pathogenic for Spastic paraparesis. Last evaluated: 2015-09-15. Review status: criteria provided, single submitter. Criteria: ACMG Guidelines, 2015. Collection method: clinical testing. Allele origin: unknown. Affected: yes.

NM_014946.4(SPAST):c.1495C>T (p.Arg499Cys)

Gene: SPAST (spastin; plus strand). Cytogenetic location: 2p22.3.
Variant type: single nucleotide variant.
Coding change: c.1495C>T on transcript NM_014946.4 (MANE Select); coding-DNA position 1495, C replaced by T.
Protein change: p.Arg499Cys; replaces arginine 499 with cysteine.
Molecular consequence: missense variant.
Genome position (GRCh38, 1-based): chr2:32,141,905, C>T. VCF-style: chr2-32141905-C-T. GRCh37 (hg19) VCF-style: chr2-32366974-C-T.
Other names: c.1492C>T, p.Arg498Cys (NM_001363823.2); c.1396C>T, p.Arg466Cys (NM_001363875.2); c.1399C>T, p.Arg467Cys (NM_001377959.1, NM_199436.2); short protein forms R499C, R467C, R498C, R466C.
Identifiers: ClinVar variation 5660 (VCV000005660.65), dbSNP rs121908511, ClinGen allele CA253551.